The following is an entry in ClinVar:

NM_006446.5(SLCO1B1):c.1592C>G (p.Thr531Arg)

Gene: SLCO1B1 (solute carrier organic anion transporter family member 1B1; plus strand). Cytogenetic location: 12p12.1.
Variant type: single nucleotide variant.
Coding change: c.1592C>G on transcript NM_006446.5 (MANE Select); coding-DNA position 1592, C replaced by G.
Protein change: p.Thr531Arg; replaces threonine 531 with arginine.
Molecular consequence: missense variant.
Genome position (GRCh38, 1-based): chr12:21,217,213, C>G. VCF-style: chr12-21217213-C-G. GRCh37 (hg19) VCF-style: chr12-21370147-C-G.
Other names: short protein forms T531R.
Identifiers: ClinVar variation 1034278 (VCV001034278.1), dbSNP rs908931153, ClinGen allele CA384109340.
Genomic context (GRCh38, chr12:21,217,213, plus strand): 5'-GTCTCCAGAACAGAAATTACTCAGCCCATTTGGGTGAATGCCCAAGAGATGATGCTTGTA[C>G]AAGGAAATTTTACTTTTTTGTTGCAATACAAGTCTTGAATTTATTTTTCTCTGCACTTGG-3'
Protein context (NP_006437.3, residues 521-541): LGECPRDDAC[Thr531Arg]RKFYFFVAIQ

ClinVar aggregate classification (germline): Uncertain significance (1 of 4 stars; one submission).

Conditions:
Rotor syndrome (HBLRR). Also called: HYPERBILIRUBINEMIA, ROTOR TYPE; HYPERBILIRUBINEMIA, ROTOR TYPE, DIGENIC. Identifiers: Orphanet 3111, MedGen C0220991, MONDO:0009379, OMIM 237450.

Allele frequency attached by ClinVar (database versions not stated): gnomAD 0.00001.
gnomAD v4.1: 5 of 1,613,528 alleles (0.00031%); highest among the groups gnomAD compares: African/African-American, 0.0027%; no homozygotes.

Submission:

Baylor Genetics
Classification: Uncertain significance for Rotor syndrome. Last evaluated: 2018-08-10. Review status: criteria provided, single submitter. Criteria: ACMG Guidelines, 2015. Collection method: clinical testing. Allele origin: paternal. Affected: yes.
Comment: This variant was determined to be of uncertain significance according to ACMG Guidelines, 2015 [PMID:25741868].